The following is an entry in ClinVar:

ClinVar aggregate classification (germline): Uncertain significance (1 of 4 stars; one submission).

Conditions:
CHARGE syndrome (CHARGE). Also called: Hittner Hirsch Kreh syndrome; CHARGE ASSOCIATION--COLOBOMA, HEART ANOMALY, CHOANAL ATRESIA, RETARDATION, GENITAL AND EAR ANOMALIES; Coloboma, heart anomaly, choanal atresia, retardation, genital and ear anomalies; CHARGE association; Hall-Hittner syndrome. Identifiers: Orphanet 138, MedGen C0265354, MONDO:0008965.

Submission:

Illumina Laboratory Services, Illumina
Classification: Uncertain significance for CHD7-related CHARGE syndrome. Last evaluated: 2020-10-22. Review status: criteria provided, single submitter. Criteria: ICSLVariantClassificationCriteria RUGD 01 April 2020. Collection method: clinical testing. Allele origin: unknown.
Comment: The CHD7 c.4001A>G p.(Glu1334Gly) missense variant has not, to our knowledge, been reported in the peer-reviewed literature. This variant is not observed in version 2.1.1 of the Genome Aggregation Database. The Glu1334 residue is highly conserved and multiple lines of computational evidence suggest the variant may impact the gene or gene product. Based on the limited evidence, the c.4001A>G p.(Glu1334Gly) variant is classified as a variant of uncertain significance for CHARGE syndrome.

NM_017780.4(CHD7):c.4001A>G (p.Glu1334Gly)

Gene: CHD7 (chromodomain helicase DNA binding protein 7; plus strand). Cytogenetic location: 8q12.2.
Variant type: single nucleotide variant.
Coding change: c.4001A>G on transcript NM_017780.4 (MANE Select); coding-DNA position 4001, A replaced by G.
Protein change: p.Glu1334Gly; replaces glutamic acid 1334 with glycine.
Molecular consequence: missense variant. On other transcripts: intron variant (1).
Genome position (GRCh38, 1-based): chr8:60,836,828, A>G. VCF-style: chr8-60836828-A-G. GRCh37 (hg19) VCF-style: chr8-61749387-A-G.
Other names: c.1717-25401A>G (NM_001316690.1); short protein forms E1334G.
Identifiers: ClinVar variation 3062037 (VCV003062037.1), dbSNP rs2487902902, ClinGen allele CA371316585.